The following is an entry in ClinVar:

NM_032436.4(CHAMP1):c.1531G>A (p.Ala511Thr)

Gene: CHAMP1 (chromosome alignment maintaining phosphoprotein 1; plus strand). Cytogenetic location: 13q34.
Variant type: single nucleotide variant.
Coding change: c.1531G>A on transcript NM_032436.4 (MANE Select); coding-DNA position 1531, G replaced by A.
Protein change: p.Ala511Thr; replaces alanine 511 with threonine.
Molecular consequence: missense variant.
Genome position (GRCh38, 1-based): chr13:114,325,373, G>A. VCF-style: chr13-114325373-G-A. GRCh37 (hg19) VCF-style: chr13-115090848-G-A.
Other names: c.1531G>A, p.Ala511Thr (NM_001164144.3, NM_001164145.3); short protein forms A511T.
Identifiers: ClinVar variation 4882910 (VCV004882910.2).

ClinVar aggregate classification (germline): Uncertain significance (1 of 4 stars; one submission).

Submission:

Dasa
Classification: Uncertain significance. Last evaluated: 2025-11-12. Review status: criteria provided, single submitter. Criteria: DASA Assertion Criteria. Collection method: clinical testing. Allele origin: germline.
Comment: NM_032436.4(CHAMP1):c.1531G>A (p.Ala511Thr) is a missense variant that results in the substitution of alanine with threonine. This variant is absent from population databases. Computational prediction algorithms are consistent with a benign effect. The currently available literature and clinical evidence are not sufficient to establish a definitive association between this variant and the reported condition. Therefore, this variant is classified as a variant of uncertain significance.